The following is an entry in ClinVar:

ClinVar aggregate classification (germline): Uncertain significance. Review status: criteria provided, multiple submitters, no conflicts (2 of 4 stars). 3 submissions from 3 submitters: Uncertain significance (3). Last evaluated 2025-08-10.

Conditions:
Inborn genetic diseases. Identifiers: MedGen C0950123, MeSH D030342.

Allele frequency attached by ClinVar (database versions not stated): ExAC 0.00002; TOPMed below 0.00001; gnomAD exomes 0.00001.
gnomAD v4.1: 9 of 1,613,654 alleles (0.00056%); highest among the groups gnomAD compares: Non-Finnish European, 0.00076%; no homozygotes.

Submissions (3):

Labcorp Genetics (formerly Invitae), Labcorp
Classification: Uncertain significance. Last evaluated: 2025-08-10. Review status: criteria provided, single submitter. Criteria: Invitae Variant Classification Sherloc (09022015). Collection method: clinical testing. Allele origin: germline.
Comment: This sequence change replaces glutamine, which is neutral and polar, with histidine, which is basic and polar, at codon 1477 of the ANKRD26 protein (p.Gln1477His). This variant is present in population databases (rs765256434, gnomAD 0.002%). This variant has not been reported in the literature in individuals affected with ANKRD26-related conditions. ClinVar contains an entry for this variant (Variation ID: 1710693). An algorithm developed to predict the effect of missense changes on protein structure and function outputs the following: PolyPhen-2: "Probably Damaging". The histidine amino acid residue is found in multiple mammalian species, which suggests that this missense change does not adversely affect protein function. In summary, the available evidence is currently insufficient to determine the role of this variant in disease. Therefore, it has been classified as a Variant of Uncertain Significance.

Ambry Genetics
Classification: Uncertain significance for Inborn genetic diseases. Last evaluated: 2024-11-27. Review status: criteria provided, single submitter. Criteria: Ambry Variant Classification Scheme 2023. Collection method: clinical testing. Allele origin: germline.
Comment: The p.Q1477H variant (also known as c.4431G>C), located in coding exon 30 of the ANKRD26 gene, results from a G to C substitution at nucleotide position 4431. The glutamine at codon 1477 is replaced by histidine, an amino acid with highly similar properties. This amino acid position is conserved. In addition, this alteration is predicted to be tolerated by in silico analysis. Based on the available evidence, the clinical significance of this variant remains unclear.

GeneDx
Classification: Uncertain significance. Last evaluated: 2022-04-16. Review status: criteria provided, single submitter. Criteria: GeneDx Variant Classification Process June 2021. Collection method: clinical testing. Allele origin: germline. Affected: yes.
Comment: Not observed at significant frequency in large population cohorts (gnomAD); In silico analysis supports that this missense variant has a deleterious effect on protein structure/function; Has not been previously published as pathogenic or benign to our knowledge

NM_014915.3(ANKRD26):c.4431G>C (p.Gln1477His)

Gene: ANKRD26 (ankyrin repeat domain 26; minus strand). Cytogenetic location: 10p12.1.
Variant type: single nucleotide variant.
Coding change: c.4431G>C on transcript NM_014915.3 (MANE Select); coding-DNA position 4431, G replaced by C.
Protein change: p.Gln1477His; replaces glutamine 1477 with histidine.
Molecular consequence: missense variant.
Genome position (GRCh38, 1-based): chr10:27,017,577, C>G on the plus strand (G>C on the coding strand, the complement: ANKRD26 is on the minus strand). VCF-style: chr10-27017577-C-G. GRCh37 (hg19) VCF-style: chr10-27306506-C-G.
Other names: c.4428G>C, p.Gln1476His (NM_001256053.2); short protein forms Q1476H, Q1477H.
Identifiers: ClinVar variation 1710693 (VCV001710693.5), dbSNP rs765256434, ClinGen allele CA5447795.